The following is an entry in ClinVar:

NM_000054.7(AVPR2):c.849C>G (p.Cys283Trp)

Gene: AVPR2 (arginine vasopressin receptor 2; plus strand). Cytogenetic location: Xq28.
Variant type: single nucleotide variant.
Coding change: c.849C>G on transcript NM_000054.7 (MANE Select); coding-DNA position 849, C replaced by G.
Protein change: p.Cys283Trp; replaces cysteine 283 with tryptophan.
Molecular consequence: missense variant. On other transcripts: non-coding transcript variant (1).
Genome position (GRCh38, 1-based): chrX:153,906,355, C>G. VCF-style: chrX-153906355-C-G. GRCh37 (hg19) VCF-style: chrX-153171809-C-G.
Other names: NC_000023.10:g.153171809C>G; c.849C>G, p.Cys283Trp (NM_001146151.3); short protein forms C283W.
Identifiers: ClinVar variation 4477530 (VCV004477530.2).

ClinVar aggregate classification (germline): Uncertain significance (1 of 4 stars; one submission).

Submissions (2):

Labcorp Genetics (formerly Invitae), Labcorp
Classification: Uncertain significance. Last evaluated: 2025-07-08. Review status: criteria provided, single submitter. Criteria: Invitae Variant Classification Sherloc (09022015). Collection method: clinical testing. Allele origin: germline.
Comment: This sequence change replaces cysteine, which is neutral and slightly polar, with tryptophan, which is neutral and slightly polar, at codon 283 of the AVPR2 protein (p.Cys283Trp). This variant is not present in population databases (gnomAD no frequency). This missense change has been observed in individual(s) with clinical features of nephrogenic diabetes insipidus (internal data). Invitae Evidence Modeling of protein sequence and biophysical properties (such as structural, functional, and spatial information, amino acid conservation, physicochemical variation, residue mobility, and thermodynamic stability) indicates that this missense variant is expected to disrupt AVPR2 protein function with a positive predictive value of 80%. This variant disrupts the p.Cys283 amino acid residue in AVPR2. Other variant(s) that disrupt this residue have been observed in individuals with AVPR2-related conditions (PMID: 25902753), which suggests that this may be a clinically significant amino acid residue. In summary, the available evidence is currently insufficient to determine the role of this variant in disease. Therefore, it has been classified as a Variant of Uncertain Significance.

Dr. Peter K. Rogan Lab, Western University
No classification provided (evidence only). Condition: Thyroid cancer, nonmedullary, 1. Review status: no classification provided. Collection method: in vitro. Allele origin: not applicable. Functional consequence: retained intron. Not counted in ClinVar's aggregate classification.

Literature cited by the submitters: PubMed 25902753 (cited by Labcorp Genetics (formerly Invitae), Labcorp).